The following is an entry in ClinVar:

ClinVar aggregate classification (germline): Uncertain significance (1 of 4 stars; one submission).

Conditions:
FREM1-related disorder. Also called: FREM1-Related Disorders; FREM1-related condition.

gnomAD v4.1: 53 of 1,613,536 alleles (0.0033%); highest among the groups gnomAD compares: East Asian, 0.0067%; no homozygotes.

Submission:

PreventionGenetics, part of Exact Sciences
Classification: Uncertain significance for FREM1-related condition. Last evaluated: 2026-01-02. Review status: criteria provided, single submitter. Criteria: ACMG Guidelines, 2015. Collection method: clinical testing. Allele origin: germline.
Comment: The FREM1 c.5734C>T variant is predicted to result in the amino acid substitution p.Arg1912Trp. To our knowledge, this variant has not been reported in the literature. This variant is reported in 0.017% of alleles in individuals of African descent in gnomAD. At this time, the clinical significance of this variant is uncertain due to the absence of conclusive functional and genetic evidence.

NM_001379081.2(FREM1):c.5734C>T (p.Arg1912Trp)

Gene: FREM1 (FRAS1 related extracellular matrix 1; minus strand). Cytogenetic location: 9p22.3.
Variant type: single nucleotide variant.
Coding change: c.5734C>T on transcript NM_001379081.2 (MANE Select); coding-DNA position 5734, C replaced by T.
Protein change: p.Arg1912Trp; replaces arginine 1912 with tryptophan.
Molecular consequence: missense variant. On other transcripts: non-coding transcript variant (3).
Genome position (GRCh38, 1-based): chr9:14,748,463, G>A on the plus strand (C>T on the coding strand, the complement: FREM1 is on the minus strand). VCF-style: chr9-14748463-G-A. GRCh37 (hg19) VCF-style: chr9-14748461-G-A.
Other names: c.1342C>T, p.Arg448Trp (NM_001177704.3, NM_001370061.2); c.1192C>T, p.Arg398Trp (NM_001370058.2); c.5734C>T, p.Arg1912Trp (NM_144966.7); short protein forms R1912W, R448W, R398W.
Identifiers: ClinVar variation 4981023 (VCV004981023.1).